The following is an entry in ClinVar:

NM_014244.5(ADAMTS2):c.65_66insTCT (p.Leu23_Pro24insLeu)

Gene: ADAMTS2 (ADAM metallopeptidase with thrombospondin type 1 motif 2; minus strand). Cytogenetic location: 5q35.3.
Variant type: Insertion.
Coding change: c.65_66insTCT on transcript NM_014244.5 (MANE Select); coding-DNA positions 65 to 66, TCT inserted.
Protein change: p.Leu23_Pro24insLeu.
Molecular consequence: inframe insertion.
Genome position: GRCh38 VCF-style: chr5-179345263-C-CAGA. GRCh37 (hg19) VCF-style: chr5-178772264-C-CAGA.
Other names: c.65_66insTCT, p.Leu23_Pro24insLeu (NM_021599.4).
Identifiers: ClinVar variation 2198420 (VCV002198420.1), dbSNP rs985083367, ClinGen allele CA2578504910.
Genomic context (GRCh38, chr5:179,345,263, plus strand): 5'-GGCGGCGGCGAGCCTGGCGTTCGCGGGCGGCGGCGGCGGCGGCAGGAGCGGCGGCGGCAG[C>CAGA]AGCAGCAGCAGCAGCAGCAGCGCGGGGCAGAGCAGGCGGCGAGCGGCTCCCGCCGGCGGA-3'

ClinVar aggregate classification (germline): Uncertain significance (1 of 4 stars; one submission).

Conditions:
Ehlers-Danlos syndrome, dermatosparaxis type. Also called: Dermatosparaxis; Ehlers-Danlos syndrome, type VII, autosomal recessive; EDS VIIC. Identifiers: Orphanet 1901, MedGen C2700425, MONDO:0009161, OMIM 225410.

Submission:

Labcorp Genetics (formerly Invitae), Labcorp
Classification: Uncertain significance for Ehlers-Danlos syndrome, dermatosparaxis type. Last evaluated: 2022-02-10. Review status: criteria provided, single submitter. Criteria: Invitae Variant Classification Sherloc (09022015). Collection method: clinical testing. Allele origin: germline.
Comment: This variant, c.65_66insTCT, results in the insertion of 1 amino acid(s) of the ADAMTS2 protein (p.Leu23dup), but otherwise preserves the integrity of the reading frame. This variant is not present in population databases (gnomAD no frequency). This variant has not been reported in the literature in individuals affected with ADAMTS2-related conditions. Experimental studies and prediction algorithms are not available or were not evaluated, and the functional significance of this variant is currently unknown. In summary, the available evidence is currently insufficient to determine the role of this variant in disease. Therefore, it has been classified as a Variant of Uncertain Significance.